The following is an entry in ClinVar:

ClinVar aggregate classification (germline): Uncertain significance (1 of 4 stars; one submission).

Conditions:
BBS5-related disorder. Also called: BBS5-related condition.

gnomAD v4.1: 8 of 1,612,648 alleles (0.0005%); highest among the groups gnomAD compares: Non-Finnish European, 0.00068%; no homozygotes.

Submission:

PreventionGenetics, part of Exact Sciences
Classification: Uncertain significance for BBS5-related condition. Last evaluated: 2024-12-29. Review status: criteria provided, single submitter. Criteria: ACMG Guidelines, 2015. Collection method: clinical testing. Allele origin: germline.
Comment: The BBS5 c.889G>A variant is predicted to result in the amino acid substitution p.Asp297Asn. This variant has been reported in the heterozygous state in an individual with Bardet-Biedl syndrome, but a second plausible pathogenic variant was not identified (Feuillan et al. 2011. PubMed ID: 21209035). This variant has not been reported in a large population database (gnomAD), indicating this variant is rare. At this time, the clinical significance of this variant is uncertain due to the absence of conclusive functional and genetic evidence.

NM_152384.3(BBS5):c.889G>A (p.Asp297Asn)

Gene: BBS5 (Bardet-Biedl syndrome 5; plus strand). Cytogenetic location: 2q31.1.
Variant type: single nucleotide variant.
Coding change: c.889G>A on transcript NM_152384.3 (MANE Select); coding-DNA position 889, G replaced by A.
Protein change: p.Asp297Asn; replaces aspartic acid 297 with asparagine.
Molecular consequence: missense variant.
Genome position (GRCh38, 1-based): chr2:169,503,167, G>A. VCF-style: chr2-169503167-G-A. GRCh37 (hg19) VCF-style: chr2-170359677-G-A.
Other names: short protein forms D297N.
Identifiers: ClinVar variation 4989980 (VCV004989980.1).
Genomic context (GRCh38, chr2:169,503,167, plus strand): 5'-GAAGCTCTGACAGTCGAACAAATTCAAGATGATGTAGAAATAGACTCTGATGGTCACACG[G>A]ATGCTTTTGTGGTGAGCATCACAAAGGACAGCATTAAATTTCTTAAGGATTTTATCTCAG-3'
Protein context (NP_689597.1, residues 287-307): DVEIDSDGHT[Asp297Asn]AFVAYFADGN